The following is an entry in ClinVar:

ClinVar aggregate classification (germline): Uncertain significance (1 of 4 stars; one submission).

Submission:

Labcorp Genetics (formerly Invitae), Labcorp
Classification: Uncertain significance. Last evaluated: 2022-04-12. Review status: criteria provided, single submitter. Criteria: Invitae Variant Classification Sherloc (09022015). Collection method: clinical testing. Allele origin: germline.
Comment: This sequence change replaces threonine, which is neutral and polar, with isoleucine, which is neutral and non-polar, at codon 371 of the ACAN protein (p.Thr371Ile). In summary, the available evidence is currently insufficient to determine the role of this variant in disease. Therefore, it has been classified as a Variant of Uncertain Significance. Algorithms developed to predict the effect of missense changes on protein structure and function are either unavailable or do not agree on the potential impact of this missense change (SIFT: "Deleterious"; PolyPhen-2: "Not Available"; Align-GVGD: "Class C65"). This variant has not been reported in the literature in individuals affected with ACAN-related conditions. This variant is not present in population databases (gnomAD no frequency).

NM_001369268.1(ACAN):c.1112C>T (p.Thr371Ile)

Gene: ACAN (aggrecan; plus strand). Cytogenetic location: 15q26.1.
Variant type: single nucleotide variant.
Coding change: c.1112C>T on transcript NM_001369268.1 (MANE Select); coding-DNA position 1112, C replaced by T.
Protein change: p.Thr371Ile; replaces threonine 371 with isoleucine.
Molecular consequence: missense variant.
Genome position (GRCh38, 1-based): chr15:88,845,565, C>T. VCF-style: chr15-88845565-C-T. GRCh37 (hg19) VCF-style: chr15-89388796-C-T.
Other names: c.1112C>T, p.Thr371Ile (NM_001135.4, NM_001411096.1, NM_001411097.1 and 1 more transcripts); short protein forms T371I.
Identifiers: ClinVar variation 2125237 (VCV002125237.4), dbSNP rs2505261400, ClinGen allele CA393709404.
Genomic context (GRCh38, chr15:88,845,565, plus strand): 5'-GTGAAGACTTTGTGGACATCCCAGAAAACTTCTTTGGAGTGGGGGGTGAGGAGGACATCA[C>T]CGTCCAGACAGTGACCTGGCCTGACATGGAGCTGCCACTGCCTCGAAACATCACTGAGGG-3'
Protein context (NP_001356197.1, residues 361-381): FFGVGGEEDI[Thr371Ile]VQTVTWPDME